The following is an entry in ClinVar:

NM_020066.5(FMN2):c.3619C>G (p.Pro1207Ala)

Gene: FMN2 (formin 2; plus strand). Cytogenetic location: 1q43.
Variant type: single nucleotide variant.
Coding change: c.3619C>G on transcript NM_020066.5 (MANE Select); coding-DNA position 3619, C replaced by G.
Protein change: p.Pro1207Ala; replaces proline 1207 with alanine.
Molecular consequence: missense variant. On other transcripts: intron variant (1).
Genome position (GRCh38, 1-based): chr1:240,208,431, C>G. VCF-style: chr1-240208431-C-G. GRCh37 (hg19) VCF-style: chr1-240371731-C-G.
Other names: c.3631C>G, p.Pro1211Ala (NM_001305424.2); c.1986+20169C>G (NM_001348094.2); short protein forms P1207A, P1211A.
Identifiers: ClinVar variation 3046257 (VCV003046257.3), dbSNP rs145138533, ClinGen allele CA1477258.

ClinVar aggregate classification (germline): Likely benign. Review status: criteria provided, single submitter (1 of 4 stars). 2 submissions from 2 submitters: Likely benign (1). 1 of the submissions does not count toward it. Last evaluated 2026-07-01.

Conditions:
FMN2-related disorder. Also called: FMN2-related condition.

Allele frequency attached by ClinVar (database versions not stated): ExAC 0.00039; 1000 Genomes Project 30x 0.00109; 1000 Genomes Project 0.00120; ESP Exome Variant Server 0.00123.
gnomAD v4.1: 340 of 1,595,668 alleles (0.021%); highest among the groups gnomAD compares: African/African-American, 0.43%; 1 homozygote.

Submissions (2):

CeGaT Center for Human Genetics Tuebingen
Classification: Likely benign. Last evaluated: 2026-07-01. Review status: criteria provided, single submitter. Criteria: CeGaT Center For Human Genetics Tuebingen Variant Classification Criteria Version 2. Collection method: clinical testing. Allele origin: germline. Affected: yes. Observed: 1 variant allele.
Comment: FMN2: BS1

PreventionGenetics, part of Exact Sciences
Classification: Likely benign for FMN2-related condition. Last evaluated: 2023-05-20. Review status: no assertion criteria provided. Collection method: clinical testing. Allele origin: germline. Not counted in ClinVar's aggregate classification.
Comment: This variant is classified as likely benign based on ACMG/AMP sequence variant interpretation guidelines (Richards et al. 2015 PMID: 25741868, with internal and published modifications).